The following is an entry in ClinVar:

NM_001621.5(AHR):c.1440T>A (p.Pro480=)

Gene: AHR (aryl hydrocarbon receptor; plus strand). Cytogenetic location: 7p21.1.
Variant type: single nucleotide variant.
Coding change: c.1440T>A on transcript NM_001621.5 (MANE Select); coding-DNA position 1440, T replaced by A.
Protein change: p.Pro480=; no amino-acid change (proline 480 retained).
Molecular consequence: synonymous variant.
Genome position (GRCh38, 1-based): chr7:17,339,265, T>A. VCF-style: chr7-17339265-T-A. GRCh37 (hg19) VCF-style: chr7-17378889-T-A.
Identifiers: ClinVar variation 732608 (VCV000732608.13), dbSNP rs201246266, ClinGen allele CA4172112.

ClinVar aggregate classification (germline): Benign. Review status: criteria provided, single submitter (1 of 4 stars). 2 submissions from 2 submitters: Benign (1). 1 of the submissions does not count toward it. Last evaluated 2025-12-17.

Conditions:
AHR-related disorder. Also called: AHR-related condition.

Allele frequency attached by ClinVar (database versions not stated): gnomAD 0.00015 and 0.00017; 1000 Genomes Project 30x 0.00031; TOPMed 0.00036; 1000 Genomes Project 0.00040.
gnomAD v4.1: 234 of 1,614,210 alleles (0.014%); highest among the groups gnomAD compares: Admixed American, 0.38%; 2 homozygotes.

Submissions (2):

Labcorp Genetics (formerly Invitae), Labcorp
Classification: Benign. Last evaluated: 2025-12-17. Review status: criteria provided, single submitter. Criteria: Invitae Variant Classification Sherloc (09022015). Collection method: clinical testing. Allele origin: germline.

PreventionGenetics, part of Exact Sciences
Classification: Likely benign for AHR-related condition. Last evaluated: 2019-12-24. Review status: no assertion criteria provided. Collection method: clinical testing. Allele origin: germline. Not counted in ClinVar's aggregate classification.
Comment: This variant is classified as likely benign based on ACMG/AMP sequence variant interpretation guidelines (Richards et al. 2015 PMID: 25741868, with internal and published modifications).